The following is an entry in ClinVar:

ClinVar aggregate classification (germline): Uncertain significance. Review status: criteria provided, multiple submitters, no conflicts (2 of 4 stars). 3 submissions from 3 submitters: Uncertain significance (3). Last evaluated 2024-06-21.

Allele frequency attached by ClinVar (database versions not stated): gnomAD exomes 0.00001; TOPMed 0.00005; gnomAD 0.00008 and 0.00009.
gnomAD v4.1: 32 of 1,550,958 alleles (0.0021%); highest among the groups gnomAD compares: African/African-American, 0.023%; no homozygotes.

Submissions (3):

Blueprint Genetics
Classification: Uncertain significance. Last evaluated: 2024-06-21. Review status: criteria provided, single submitter. Criteria: ACMG Guidelines, 2015. Collection method: clinical testing. Allele origin: germline.

GeneDx
Classification: Uncertain significance. Last evaluated: 2022-01-19. Review status: criteria provided, single submitter. Criteria: GeneDx Variant Classification Process June 2021. Collection method: clinical testing. Allele origin: germline. Affected: yes.
Comment: In silico analysis supports that this missense variant does not alter protein structure/function; Has not been previously published as pathogenic or benign to our knowledge

Labcorp Genetics (formerly Invitae), Labcorp
Classification: Uncertain significance. Last evaluated: 2021-07-06. Review status: criteria provided, single submitter. Criteria: Invitae Variant Classification Sherloc (09022015). Collection method: clinical testing. Allele origin: germline.
Comment: In summary, the available evidence is currently insufficient to determine the role of this variant in disease. Therefore, it has been classified as a Variant of Uncertain Significance. Algorithms developed to predict the effect of missense changes on protein structure and function (SIFT, PolyPhen-2, Align-GVGD) all suggest that this variant is likely to be tolerated. This variant has not been reported in the literature in individuals affected with LRTOMT-related conditions. This variant is not present in population databases (ExAC no frequency). This sequence change replaces arginine with glutamine at codon 58 of the LRTOMT protein (p.Arg58Gln). The arginine residue is highly conserved and there is a small physicochemical difference between arginine and glutamine.

NM_001145308.5(LRTOMT):c.173G>A (p.Arg58Gln)

Genes: LRTOMT (leucine rich transmembrane and O-methyltransferase domain containing; plus strand), TOMT (transmembrane O-methyltransferase; plus strand). Cytogenetic location: 11q13.4.
Variant type: single nucleotide variant.
Coding change: c.173G>A on transcript NM_001145308.5; coding-DNA position 173, G replaced by A.
Protein change: p.Arg58Gln; replaces arginine 58 with glutamine.
Molecular consequence: missense variant. On other transcripts: intron variant (1).
Genome position (GRCh38, 1-based): chr11:72,106,025, G>A. VCF-style: chr11-72106025-G-A. GRCh37 (hg19) VCF-style: chr11-71817071-G-A.
Other names: c.74G>A, p.Arg25Gln (NM_001393500.2); c.173G>A, p.Arg58Gln (NM_001145309.4); c.84-31G>A (NM_001145310.4); short protein forms R25Q, R58Q.
Identifiers: ClinVar variation 1339595 (VCV001339595.10), dbSNP rs1044749421, ClinGen allele CA224374471.